The following is an entry in ClinVar:

NM_012062.5(DNM1L):c.29A>G (p.Lys10Arg)

Gene: DNM1L (dynamin 1 like; plus strand). Cytogenetic location: 12p11.21.
Variant type: single nucleotide variant.
Coding change: c.29A>G on transcript NM_012062.5 (MANE Select); coding-DNA position 29, A replaced by G.
Protein change: p.Lys10Arg; replaces lysine 10 with arginine.
Molecular consequence: missense variant. On other transcripts: 5 prime UTR variant (1).
Genome position (GRCh38, 1-based): chr12:32,679,392, A>G. VCF-style: chr12-32679392-A-G. GRCh37 (hg19) VCF-style: chr12-32832326-A-G.
Other names: c.29A>G, p.Lys10Arg (NM_001278463.2, NM_001278464.2, NM_001278465.2 and 3 more transcripts); c.-177A>G (NM_001278466.2); short protein forms K10R.
Identifiers: ClinVar variation 1381221 (VCV001381221.6), dbSNP rs1592548168, ClinGen allele CA384359228.

ClinVar aggregate classification (germline): Uncertain significance (1 of 4 stars; one submission).

Allele frequency attached by ClinVar (database versions not stated): gnomAD exomes below 0.00001.
gnomAD v4.1: 3 of 1,613,804 alleles (0.00019%); highest among the groups gnomAD compares: Non-Finnish European, 0.00017%; no homozygotes.

Submission:

Labcorp Genetics (formerly Invitae), Labcorp
Classification: Uncertain significance. Last evaluated: 2024-02-12. Review status: criteria provided, single submitter. Criteria: Invitae Variant Classification Sherloc (09022015). Collection method: clinical testing. Allele origin: germline.
Comment: This sequence change replaces lysine, which is basic and polar, with arginine, which is basic and polar, at codon 10 of the DNM1L protein (p.Lys10Arg). This variant is not present in population databases (gnomAD no frequency). This variant has not been reported in the literature in individuals affected with DNM1L-related conditions. ClinVar contains an entry for this variant (Variation ID: 1381221). An algorithm developed to predict the effect of missense changes on protein structure and function (PolyPhen-2) suggests that this variant is likely to be tolerated. Algorithms developed to predict the effect of sequence changes on RNA splicing suggest that this variant may create or strengthen a splice site. In summary, the available evidence is currently insufficient to determine the role of this variant in disease. Therefore, it has been classified as a Variant of Uncertain Significance.